The following is an entry in ClinVar:

ClinVar aggregate classification (germline): Uncertain significance (1 of 4 stars; one submission).

Conditions:
Primary dilated cardiomyopathy (DCM). Also called: Dilated Cardiomyopathy. Identifiers: Orphanet 217604, MedGen C0007193, MeSH D002311, MONDO:0005021, HP:0001644. Inheritance: Various modes of inheritance.

Submission:

Labcorp Genetics (formerly Invitae), Labcorp
Classification: Uncertain significance for Primary dilated cardiomyopathy. Last evaluated: 2021-08-04. Review status: criteria provided, single submitter. Criteria: Invitae Variant Classification Sherloc (09022015). Collection method: clinical testing. Allele origin: germline.
Comment: This sequence change replaces tyrosine with aspartic acid at codon 595 of the NEBL protein (p.Tyr595Asp). The tyrosine residue is moderately conserved and there is a large physicochemical difference between tyrosine and aspartic acid. This variant is not present in population databases (ExAC no frequency). In summary, the available evidence is currently insufficient to determine the role of this variant in disease. Therefore, it has been classified as a Variant of Uncertain Significance. Algorithms developed to predict the effect of missense changes on protein structure and function are either unavailable or do not agree on the potential impact of this missense change (SIFT: "Tolerated"; PolyPhen-2: "Probably Damaging"; Align-GVGD: "Class C0"). This variant has not been reported in the literature in individuals affected with NEBL-related conditions.

NM_006393.3(NEBL):c.1783T>G (p.Tyr595Asp)

Gene: NEBL (nebulette; minus strand). Cytogenetic location: 10p12.31.
Variant type: single nucleotide variant.
Coding change: c.1783T>G on transcript NM_006393.3 (MANE Select); coding-DNA position 1783, T replaced by G.
Protein change: p.Tyr595Asp; replaces tyrosine 595 with aspartic acid.
Molecular consequence: missense variant. On other transcripts: intron variant (9).
Genome position (GRCh38, 1-based): chr10:20,826,533, A>C on the plus strand (T>G on the coding strand, the complement: NEBL is on the minus strand). VCF-style: chr10-20826533-A-C. GRCh37 (hg19) VCF-style: chr10-21115462-A-C.
Other names: c.250-13593T>G (NM_001377326.1, NM_001377327.1, NM_001377328.1); c.358-13593T>G (NM_213569.2, NM_001173484.2, NM_001377322.1); c.301-13593T>G (NM_001377324.1); c.292-13593T>G (NM_001377325.1); c.310-13593T>G (NM_001377323.1); short protein forms Y595D.
Identifiers: ClinVar variation 1505759 (VCV001505759.6), dbSNP rs2130874323, ClinGen allele CA376096247.